The following is an entry in ClinVar:

ClinVar aggregate classification (germline): Uncertain significance (1 of 4 stars; one submission).

Submission:

Labcorp Genetics (formerly Invitae), Labcorp
Classification: Uncertain significance. Last evaluated: 2021-06-17. Review status: criteria provided, single submitter. Criteria: Invitae Variant Classification Sherloc (09022015). Collection method: clinical testing. Allele origin: germline.
Comment: In summary, the available evidence is currently insufficient to determine the role of this variant in disease. Therefore, it has been classified as a Variant of Uncertain Significance. Algorithms developed to predict the effect of missense changes on protein structure and function (SIFT, PolyPhen-2, Align-GVGD) all suggest that this variant is likely to be tolerated, but these predictions have not been confirmed by published functional studies and their clinical significance is uncertain. This variant has not been reported in the literature in individuals with ITGAM-related conditions. This variant is not present in population databases (ExAC no frequency). This sequence change replaces valine with leucine at codon 730 of the ITGAM protein (p.Val730Leu). The valine residue is weakly conserved and there is a small physicochemical difference between valine and leucine.

NM_000632.4(ITGAM):c.2188G>C (p.Val730Leu)

Gene: ITGAM (integrin subunit alpha M; plus strand). Cytogenetic location: 16p11.2.
Variant type: single nucleotide variant.
Coding change: c.2188G>C on transcript NM_000632.4 (MANE Select); coding-DNA position 2188, G replaced by C.
Protein change: p.Val730Leu; replaces valine 730 with leucine.
Molecular consequence: missense variant.
Genome position (GRCh38, 1-based): chr16:31,324,681, G>C. VCF-style: chr16-31324681-G-C. GRCh37 (hg19) VCF-style: chr16-31336002-G-C.
Other names: c.2191G>C, p.Val731Leu (NM_001145808.2); short protein forms V730L, V731L.
Identifiers: ClinVar variation 1474359 (VCV001474359.8), dbSNP rs2144491859, ClinGen allele CA395688316.